The following is an entry in ClinVar:

ClinVar aggregate classification (germline): Likely benign. Review status: criteria provided, single submitter (1 of 4 stars). 2 submissions from 2 submitters: Likely benign (1). 1 of the submissions does not count toward it. Last evaluated 2022-03-06.

Conditions:
RELB-related disorder. Also called: RELB-related condition.

Allele frequency attached by ClinVar (database versions not stated): gnomAD exomes below 0.00001; TOPMed below 0.00001; ExAC 0.00002; gnomAD 0.00003.
gnomAD v4.1: 11 of 1,613,832 alleles (0.00068%); highest among the groups gnomAD compares: South Asian, 0.0055%; no homozygotes.

Submissions (2):

Labcorp Genetics (formerly Invitae), Labcorp
Classification: Likely benign. Last evaluated: 2022-03-06. Review status: criteria provided, single submitter. Criteria: Invitae Variant Classification Sherloc (09022015). Collection method: clinical testing. Allele origin: germline.

PreventionGenetics, part of Exact Sciences
Classification: Likely benign for RELB-related condition. Last evaluated: 2023-05-09. Review status: no assertion criteria provided. Collection method: clinical testing. Allele origin: germline. Not counted in ClinVar's aggregate classification.
Comment: This variant is classified as likely benign based on ACMG/AMP sequence variant interpretation guidelines (Richards et al. 2015 PMID: 25741868, with internal and published modifications).

NM_006509.4(RELB):c.867C>T (p.Ser289=)

Gene: RELB (RELB proto-oncogene, NF-kB subunit; plus strand). Cytogenetic location: 19q13.32.
Variant type: single nucleotide variant.
Coding change: c.867C>T on transcript NM_006509.4 (MANE Select); coding-DNA position 867, C replaced by T.
Protein change: p.Ser289=; no amino-acid change (serine 289 retained).
Molecular consequence: synonymous variant.
Genome position (GRCh38, 1-based): chr19:45,025,718, C>T. VCF-style: chr19-45025718-C-T. GRCh37 (hg19) VCF-style: chr19-45528976-C-T.
Other names: c.867C>T (NM_006509.3); c.858C>T, p.Ser286= (NM_001411087.1).
Identifiers: ClinVar variation 1967526 (VCV001967526.7), dbSNP rs570531651, ClinGen allele CA9507670.